The following is an entry in ClinVar:

ClinVar aggregate classification (germline): Uncertain significance (1 of 4 stars; one submission).

Submission:

Labcorp Genetics (formerly Invitae), Labcorp
Classification: Uncertain significance. Last evaluated: 2023-08-17. Review status: criteria provided, single submitter. Criteria: Invitae Variant Classification Sherloc (09022015). Collection method: clinical testing. Allele origin: germline.
Comment: In summary, the available evidence is currently insufficient to determine the role of this variant in disease. Therefore, it has been classified as a Variant of Uncertain Significance. ClinVar contains an entry for this variant (Variation ID: 1939542). This variant has not been reported in the literature in individuals affected with LMNB1-related conditions. This variant is present in population databases (rs763314150, gnomAD 0.002%). This sequence change creates a premature translational stop signal (p.Lys342Argfs*7) in the LMNB1 gene. It is expected to result in an absent or disrupted protein product. However, the current clinical and genetic evidence is not sufficient to establish whether loss-of-function variants in LMNB1 cause disease.

NM_005573.4(LMNB1):c.1025_1028del (p.Lys342fs)

Gene: LMNB1 (lamin B1; plus strand). Cytogenetic location: 5q23.2.
Variant type: Deletion.
Coding change: c.1025_1028del on transcript NM_005573.4 (MANE Select); coding-DNA positions 1025 to 1028, 4 bases deleted (AAGA; older notation c.1025_1028delAAGA).
Protein change: p.Lys342fs; shifts the reading frame from lysine 342.
Molecular consequence: frameshift variant. On other transcripts: non-coding transcript variant (1).
Genome position (GRCh38, 1-based): chr5:126,819,007-126,819,010, AAGA deleted; deleting any 4 consecutive bases within chr5:126,819,006-126,819,010 gives the same sequence; the c. name uses the placement nearest the transcript's 3' end. VCF-style (leftmost placement, unchanged base first): chr5-126819005-CAAAG-C. GRCh37 (hg19) VCF-style: chr5-126154697-CAAAG-C.
Other names: c.395_398del, p.Lys132fs (NM_001198557.2); short protein forms K132fs, K342fs.
Identifiers: ClinVar variation 1939542 (VCV001939542.5), dbSNP rs763314150, ClinGen allele CA3390619.
Genomic context (GRCh38, chr5:126,819,005, plus strand): 5'-TCAAGAATTAGAGGACTTGCTTGCTAAAGAAAAAGACAACTCTCGTCGCATGCTGACAGA[CAAAG>C]AGAGAGAGATGGCGGAAATAAGGGATCAAATGCAGCAACAGCTGAATGACTATGAACAGC-3'